The following is an entry in ClinVar:

NM_020699.4(GATAD2B):c.1241G>A (p.Arg414Gln)

Gene: GATAD2B (GATA zinc finger domain containing 2B; minus strand). Cytogenetic location: 1q21.3.
Variant type: single nucleotide variant.
Coding change: c.1241G>A on transcript NM_020699.4 (MANE Select); coding-DNA position 1241, G replaced by A.
Protein change: p.Arg414Gln; replaces arginine 414 with glutamine.
Molecular consequence: missense variant.
Genome position (GRCh38, 1-based): chr1:153,813,428, C>T on the plus strand (G>A on the coding strand, the complement: GATAD2B is on the minus strand). VCF-style: chr1-153813428-C-T. GRCh37 (hg19) VCF-style: chr1-153785904-C-T.
Other names: short protein forms R414Q.
Identifiers: ClinVar variation 381463 (VCV000381463.33), dbSNP rs1057521041, ClinGen allele CA16603415.
Genomic context (GRCh38, chr1:153,813,428, plus strand): 5'-TCTTGCTTCCAGTGAGGGGTGAAATCTGTGCGGCACTGGGCACATACAAAGGGTTCAACC[C>T]GCAGAAGTGAGGCACAGCTTTTGCCTAGATACCAACAAAAATAGTCAGTGGCTTTACATT-3'
Protein context (NP_065750.1, residues 404-424): SQGKSCASLL[Arg414Gln]VEPFVCAQCR

ClinVar aggregate classification (germline): Pathogenic/Likely pathogenic. Review status: criteria provided, multiple submitters, no conflicts (2 of 4 stars). 8 submissions from 8 submitters: Pathogenic (3); Likely pathogenic (4). 1 of the submissions does not count toward it. Last evaluated 2025-08-19.

Conditions:
Severe intellectual disability-poor language-strabismus-grimacing face-long fingers syndrome (GAND). Also called: GAND SYNDROME. Identifiers: Orphanet 363686, MedGen C3554448, MONDO:0014034, OMIM 615074.

Allele frequency attached by ClinVar (database versions not stated): gnomAD exomes below 0.00001.
gnomAD v4.1: 1 of 1,613,982 alleles (0.000062%); highest among the groups gnomAD compares: African/African-American, 0.0013%; no homozygotes.

Submissions (8):

GeneDx
Classification: Pathogenic. Last evaluated: 2025-08-19. Review status: criteria provided, single submitter. Criteria: GeneDx Variant Classification Process June 2021. Collection method: clinical testing. Allele origin: germline. Affected: yes.
Comment: Not observed at significant frequency in large population cohorts (gnomAD); In silico analysis suggests that this missense variant does not alter protein structure/function, but splice predictors indicate that the variant may lead to abnormal gene splicing; This variant is associated with the following publications: (PMID: 31949314)

Victorian Clinical Genetics Services, Murdoch Childrens Research Institute
Classification: Pathogenic for Severe intellectual disability-poor language-strabismus-grimacing face-long fingers syndrome. Last evaluated: 2024-10-09. Review status: criteria provided, single submitter. Criteria: ACMG Guidelines, 2015. Collection method: clinical testing. Allele origin: germline. Inheritance: Autosomal dominant inheritance. Affected: yes.
Comment: Based on the classification scheme VCGS_Germline_v1.3.4, this variant is classified as Pathogenic. Following criteria are met: 0102 - Loss of function is a known mechanism of disease in this gene and is associated with GAND syndrome (MIM#615074). (I) 0107 - This gene is associated with autosomal dominant disease. (I) 0200 - Variant is predicted to result in a missense amino acid change from arginine to glutamine. (I) 0251 - This variant is heterozygous. (I) 0301 - Variant is absent from gnomAD (both v2 and v3). (SP) 0309 - Multiple alternative amino acid changes at the same position have been observed in gnomAD (v2) (highest allele count: 2 heterozygotes, 0 homozygotes). (I) 0503 - Missense variant consistently predicted to be tolerated by multiple in silico tools or not conserved in placental mammals with a minor amino acid change. (SB) 0600 - Variant is located in the annotated CR2 domain (PMID: 31949314). (I) 0705 - No comparable missense variants have previous evidence for pathogenicity. (I) 0801 - This variant has strong previous evidence of pathogenicity in unrelated individuals. This variant has been classified as pathogenic or likely pathogenic by multiple clinical laboratories in ClinVar. This variant has also been observed as de novo in two unrelated individuals with GAND syndrome (PMID: 31949314). (SP) 1010 - Functional evidence for this variant is inconclusive. Co-expression and pulldown experiments showed a mild reduction in CHD binding (PMID: 31949314). (SP) Legend: (SP) - Supporting pathogenic, (I) - Information, (SB) - Supporting benign

CeGaT Center for Human Genetics Tuebingen
Classification: Likely pathogenic. Last evaluated: 2024-01-01. Review status: criteria provided, single submitter. Criteria: CeGaT Center For Human Genetics Tuebingen Variant Classification Criteria Version 2. Collection method: clinical testing. Allele origin: germline. Affected: yes. Observed: 1 variant allele.
Comment: GATAD2B: PM2, PM6, PS4:Moderate, PP3, PS3:Supporting

Genome-Nilou Lab
Classification: Likely pathogenic for Severe intellectual disability-poor language-strabismus-grimacing face-long fingers syndrome. Last evaluated: 2023-04-11. Review status: criteria provided, single submitter. Criteria: ACMG Guidelines, 2015. Collection method: clinical testing. Allele origin: germline. Affected: no.

Laboratoire de Génétique Moléculaire, CHU Bordeaux
Classification: Likely pathogenic for Severe intellectual disability-poor language-strabismus-grimacing face-long fingers syndrome. Last evaluated: 2022-06-15. Review status: criteria provided, single submitter. Criteria: ACMG Guidelines, 2015. Collection method: clinical testing. Allele origin: germline. Affected: yes.

Division Of Personalized Genomic Medicine, Columbia University Irving Medical Center
Classification: Likely pathogenic for Severe intellectual disability-poor language-strabismus-grimacing face-long fingers syndrome. Last evaluated: 2021-08-17. Review status: criteria provided, single submitter. Criteria: ACMG Guidelines, 2015. Collection method: clinical testing. Allele origin: de novo. Inheritance: Autosomal dominant inheritance. Affected: yes. Observed: 1 heterozygote.
Comment: The c.1241G>A variant is a heterozygous single base pair substitution at nucleotide 1241 in exon 8 of 11 of the GATAD2B gene, resulting in a substitution of a highly conserved arginine at amino acid position 414 to a glutamine (p.Arg414Gln). This variant is absent from the gnomAD database, indicating it is not a common benign occurrence in the populations represented in these databases. In silico predictors are inconsistent in predicting an effect on the structure and/or function of the protein (benign by PolyPhen2, tolerated by SIFT, disease causing by MutationTaster). The GATAD2B gene encodes GATA zinc finger domain-containing protein 2B, a subunit of the NuRD complex. The NuRD complex is an important regulator of gene expression with both histone deacetylase and chromatin remodeling activity. The arginine at position 414 falls in the CR2 conserved region, which contains a GATA-type zinc finger motif (PMID: 11756549) and is known to interact with other NuRD proteins. The p.Arg414Gln variant has been previously reported as de novo in two unrelated individuals with intellectual disability associated with expressive and receptive language issues (PMID: 31949314). Immunoprecipitation assays utilizing in vitro transcription-translation products revealed that the p.Arg414Gln variant causes a mild reduction in the interactions with CHD paralogues, disrupting assembly of NuRD complex proteins (PMID: 31949314).

Mendelics
Classification: Pathogenic for Severe intellectual disability-poor language-strabismus-grimacing face-long fingers syndrome. Last evaluated: 2019-05-28. Review status: criteria provided, single submitter. Criteria: Mendelics Assertion Criteria 2017. Collection method: clinical testing. Allele origin: unknown.

OMIM
Classification: Pathogenic for GAND SYNDROME. Last evaluated: 2020-10-22. Review status: no assertion criteria provided. Collection method: literature only. Allele origin: germline. Not counted in ClinVar's aggregate classification.

Literature cited by the submitters: PubMed 31949314 (cited by 3 submitters); PubMed 11756549 (cited by Division Of Personalized Genomic Medicine, Columbia University Irving Medical Center).